The following is an entry in ClinVar:

NM_001429.4(EP300):c.5459A>G (p.His1820Arg)

Gene: EP300 (EP300 lysine acetyltransferase; plus strand). Cytogenetic location: 22q13.2.
Variant type: single nucleotide variant.
Coding change: c.5459A>G on transcript NM_001429.4 (MANE Select); coding-DNA position 5459, A replaced by G.
Protein change: p.His1820Arg; replaces histidine 1820 with arginine.
Molecular consequence: missense variant.
Genome position (GRCh38, 1-based): chr22:41,177,170, A>G. VCF-style: chr22-41177170-A-G. GRCh37 (hg19) VCF-style: chr22-41573174-A-G.
Other names: c.5381A>G, p.His1794Arg (NM_001362843.2); short protein forms H1794R, H1820R.
Identifiers: ClinVar variation 3360889 (VCV003360889.2).

ClinVar aggregate classification (germline): Uncertain significance (1 of 4 stars; one submission).

Submission:

GeneDx
Classification: Uncertain significance. Last evaluated: 2024-12-05. Review status: criteria provided, single submitter. Criteria: GeneDx Variant Classification Process June 2021. Collection method: clinical testing. Allele origin: germline.
Comment: Not observed at significant frequency in large population cohorts (gnomAD); In silico analysis supports that this missense variant has a deleterious effect on protein structure/function; Has not been previously published as pathogenic or benign to our knowledge